The following is an entry in ClinVar:

ClinVar aggregate classification (germline): Benign (1 of 4 stars; one submission).

Submission:

CeGaT Center for Human Genetics Tuebingen
Classification: Benign. Last evaluated: 2026-07-01. Review status: criteria provided, single submitter. Criteria: CeGaT Center For Human Genetics Tuebingen Variant Classification Criteria Version 2. Collection method: clinical testing. Allele origin: germline. Affected: yes. Observed: 10 variant alleles.
Comment: MBD5: BS1, BS2

NM_001378120.1(MBD5):c.-1114GCTACTGCTGCTGCT[3]

Genes: MBD5 (methyl-CpG binding domain protein 5; plus strand), ORC4 (origin recognition complex subunit 4; minus strand). Cytogenetic location: 2q23.1.
Variant type: Microsatellite.
Coding change: c.-1114GCTACTGCTGCTGCT[3] on transcript NM_001378120.1 (MANE Select); three copies in a row of the 15-base unit GCTACTGCTGCTGCT starting at c.-1114; the reference has two copies in a row; one copy, 15 bases duplicated.
Molecular consequence: 5 prime UTR variant. On other transcripts: intron variant (2).
Genome position (GRCh38, 1-based): chr2:148,021,510-148,021,524, GCTACTGCTGCTGCT duplicated; duplicating any 15 consecutive bases within chr2:148,021,484-148,021,524 gives the same sequence; the position shown is the placement nearest the transcript's 3' end. VCF-style (leftmost placement, unchanged base first): chr2-148021483-G-GCTGCTGCTGCTGCTA. GRCh37 (hg19) VCF-style: chr2-148779052-G-GCTGCTGCTGCTGCTA.
Other names: c.-1173GCTACTGCTGCTGCT[3] (NM_001438854.1, NM_001438856.1, NM_001438860.1); c.-1114GCTACTGCTGCTGCT[3] (NM_001438855.1, NM_001438859.1); c.-1201GCTACTGCTGCTGCT[3] (NM_001438857.1); c.-963GCTACTGCTGCTGCT[3] (NM_001438858.1, NM_001438861.1); c.-961-164CTGCTGCTGCTGCTA[3] (NM_018328.5); c.-925+438CTGCTGCTGCTGCTA[3] (NM_001438862.1).
Identifiers: ClinVar variation 2651401 (VCV002651401.22), dbSNP rs755361381, ClinGen allele CA429384470.